The following is an entry in ClinVar:

ClinVar aggregate classification (germline): Pathogenic/Likely pathogenic. Review status: criteria provided, single submitter (1 of 4 stars). 2 submissions from 1 submitter: Pathogenic (1); Likely pathogenic (1). Last evaluated 2020-04-15.

Conditions:
Ehlers-Danlos syndrome, type 4 (EDSVASC). Also called: Ehlers-Danlos syndrome vascular type; Ehlers Danlos syndrome, ecchymotic type; Ehlers Danlos syndrome, arterial type; Ehlers Danlos syndrome, Sack-Barabas type; Ehlers-Danlos Syndrome Type IV. Identifiers: Orphanet 286, MedGen C0268338, MONDO:0017314, OMIM 130050.
Ehlers-Danlos syndrome, classic type, 1 (EDSCL1). Also called: Ehlers-Danlos Syndrome, Classic Type, COL5A1-Related; EHLERS-DANLOS SYNDROME, GRAVIS TYPE; EHLERS-DANLOS SYNDROME, SEVERE CLASSIC TYPE; EDS I; Ehlers-Danlos syndrome, type 1. Identifiers: MedGen C0268335, MONDO:0019567, OMIM 130000.

Submissions (2):

Labcorp Genetics (formerly Invitae), Labcorp
Classification: Likely pathogenic for Ehlers-Danlos syndrome, classic type, 1. Last evaluated: 2020-04-15. Review status: criteria provided, single submitter. Criteria: Invitae Variant Classification Sherloc (09022015). Collection method: clinical testing. Allele origin: germline.
Comment: In summary, the currently available evidence indicates that the variant is pathogenic, but additional data are needed to prove that conclusively. Therefore, this variant has been classified as Likely Pathogenic. This variant disrupts the p.Gly645Arg amino acid residue in COL5A2. Other variant(s) that disrupt this residue have been determined to be pathogenic (PMID: 22696272, Invitae). This suggests that this residue is clinically significant, and that variants that disrupt this residue are likely to be disease-causing. This variant has not been reported in the literature in individuals with COL5A2-related conditions. This variant is a gross deletion of the genomic region encompassing exon(s) 10-54 of the COL5A2 gene. The 5' boundary is likely confined to intron 9. The 3' end of this event is unknown as it extends through the termination codon beyond the assayed region for this gene and may encompass additional genes. While this deletion is not anticipated to result in nonsense mediated decay, it is expected to create a truncated protein product or disrupt mRNA translation.

Labcorp Genetics (formerly Invitae), Labcorp
Classification: Pathogenic for Ehlers-Danlos syndrome, type 4. Last evaluated: 2020-04-15. Review status: criteria provided, single submitter. Criteria: Invitae Variant Classification Sherloc (09022015). Collection method: clinical testing. Allele origin: germline.
Comment: A gross deletion of the genomic region encompassing the full coding sequence of the COL3A1 gene has been identified. The boundaries of this event are unknown as the deletion extends beyond the assayed region for this gene and therefore may encompass additional genes. Isolated whole-gene deletions of COL3A1 have not been reported in the literature. However, larger copy number events that include this gene have been reported (PMID: 20648054). Loss-of-function variants in COL3A1 are known to be pathogenic (PMID: 24922459). For these reasons, this variant has been classified as Pathogenic.

Literature cited by the submitters: PubMed 22696272; PubMed 20648054; PubMed 24922459.

NC_000002.11:g.(?_189839206)_(189950508_?)del

Genes: COL3A1 (collagen type III alpha 1 chain; plus strand), COL5A2 (collagen type V alpha 2 chain; minus strand). Cytogenetic location: 2q32.2.
Variant type: Deletion.
Identifiers: ClinVar variation 1066734 (VCV001066734.5).